The following is an entry in ClinVar:

ClinVar aggregate classification (germline): Likely pathogenic (1 of 4 stars; one submission).

Submission:

Dasa
Classification: Likely pathogenic. Last evaluated: 2026-01-08. Review status: criteria provided, single submitter. Criteria: DASA Assertion Criteria. Collection method: clinical testing. Allele origin: germline.
Comment: NM_002397.5(MEF2C):c.97T>G (p.Tyr33Asp) is a missense variant that results in the substitution of tyrosine with aspartic acid. The affected residue or protein region has prior evidence supporting clinical relevance. This variant has been reported in individuals with MEF2C-related disorders (PMID: 33004838). Also, this variant is absent from population databases. Computational evidence supports a deleterious effect. Based on the currently available evidence, this variant is classified as likely pathogenic.

Literature cited by the submitters: PubMed 33004838.

NM_002397.5(MEF2C):c.97T>G (p.Tyr33Asp)

Gene: MEF2C (myocyte enhancer factor 2C; minus strand). Cytogenetic location: 5q14.3.
Variant type: single nucleotide variant.
Coding change: c.97T>G on transcript NM_002397.5 (MANE Select); coding-DNA position 97, T replaced by G.
Protein change: p.Tyr33Asp; replaces tyrosine 33 with aspartic acid.
Molecular consequence: missense variant.
Genome position (GRCh38, 1-based): chr5:88,804,759, A>C on the plus strand (T>G on the coding strand, the complement: MEF2C is on the minus strand). VCF-style: chr5-88804759-A-C. GRCh37 (hg19) VCF-style: chr5-88100576-A-C.
Other names: c.97T>G, p.Tyr33Asp (NM_001364348.2, NM_001364349.2, NM_001364350.2 and 29 more transcripts); short protein forms Y33D.
Identifiers: ClinVar variation 4880772 (VCV004880772.2).